The following is an entry in ClinVar:

NM_000038.6(APC):c.3748_3752del (p.Lys1250fs)

Gene: APC (APC regulator of Wnt signaling pathway; plus strand). Cytogenetic location: 5q22.2.
Variant type: Deletion.
Coding change: c.3748_3752del on transcript NM_000038.6 (MANE Select); coding-DNA positions 3748 to 3752, 5 bases deleted (AAAGT; older notation c.3748_3752delAAAGT).
Protein change: p.Lys1250fs; shifts the reading frame from lysine 1250.
Molecular consequence: frameshift variant. On other transcripts: non-coding transcript variant (2).
Genome position (GRCh38, 1-based): chr5:112,839,342-112,839,346, AAAGT deleted. VCF-style (leftmost placement, unchanged base first): chr5-112839341-CAAAGT-C. GRCh37 (hg19) VCF-style: chr5-112175038-CAAAGT-C.
Other names: c.3748_3752del, p.Lys1250fs (NM_001127510.3, NM_001354895.2, NM_001407450.1); c.3694_3698del, p.Lys1232fs (NM_001127511.3); c.3802_3806del, p.Lys1268fs (NM_001354896.2, NM_001407447.1, NM_001407448.1 and 1 more transcripts); c.3778_3782del, p.Lys1260fs (NM_001354897.2); c.3673_3677del, p.Lys1225fs (NM_001354898.2); c.3664_3668del, p.Lys1222fs (NM_001354899.2); c.3625_3629del, p.Lys1209fs (NM_001354900.2); c.3571_3575del, p.Lys1191fs (NM_001354901.2, NM_001407453.1); and 11 more; short protein forms K1090fs, K1121fs, K1124fs, K1149fs, K1159fs, K1167fs, K1191fs, K1209fs.
Identifiers: ClinVar variation 2583878 (VCV002583878.1), dbSNP rs2533521440, ClinGen allele CA2582341532.

ClinVar aggregate classification (germline): Pathogenic (1 of 4 stars; one submission).

Conditions:
Familial adenomatous polyposis 1 (FAP1). Also called: FAMILIAL ADENOMATOUS POLYPOSIS 1, ATTENUATED; POLYPOSIS, ADENOMATOUS INTESTINAL. Identifiers: MedGen C2713442, MONDO:0021056, OMIM 175100. Disease mechanism: loss of function.

Submission:

Myriad Genetics, Inc.
Classification: Pathogenic for Familial adenomatous polyposis 1. Last evaluated: 2023-05-09. Review status: criteria provided, single submitter. Criteria: Myriad Autosomal Dominant, Autosomal Recessive and X-Linked Classification Criteria (2023). Collection method: clinical testing. Allele origin: unknown.
Comment: This variant is considered pathogenic. This variant creates a frameshift predicted to result in premature protein truncation.